The following is an entry in ClinVar:

ClinVar aggregate classification (germline): Conflicting classifications of pathogenicity. Review status: criteria provided, conflicting classifications (1 of 4 stars). 3 submissions from 3 submitters: Likely pathogenic (2); Uncertain significance (1). Last evaluated 2026-05-21.

Conditions:
Inborn genetic diseases. Identifiers: MedGen C0950123, MeSH D030342.
Bartter disease type 3. Also called: Bartter syndrome type 3. Identifiers: Orphanet 112, Orphanet 93605, MedGen C1846343, MONDO:0011822, OMIM 607364.
Bartter disease type 4B. Also called: BARTTER SYNDROME, TYPE 4B, NEONATAL, WITH SENSORINEURAL DEAFNESS; Bartter syndrome, type 4b, digenic; BARTTER SYNDROME, TYPE 4B. Identifiers: Orphanet 112, MedGen C4310805, MONDO:0000909, OMIM 613090.

Allele frequency attached by ClinVar (database versions not stated): ExAC 0.00001; TOPMed 0.00001; gnomAD 0.00003.

Submissions (3):

GeneDx
Classification: Likely pathogenic. Last evaluated: 2026-05-21. Review status: criteria provided, single submitter. Criteria: GeneDx Variant Classification Process June 2021. Collection method: clinical testing. Allele origin: germline.
Comment: Not observed at significant frequency in large population cohorts (gnomAD); In silico analysis supports that this missense variant has a deleterious effect on protein structure/function; Has not been previously published as pathogenic or benign to our knowledge

Fulgent Genetics
Classification: Likely pathogenic for Bartter disease type 3; Bartter disease type 4B. Last evaluated: 2024-06-05. Review status: criteria provided, single submitter. Criteria: ACMG Guidelines, 2015. Collection method: clinical testing. Allele origin: germline.

Ambry Genetics
Classification: Uncertain significance for Inborn genetic diseases. Last evaluated: 2022-05-26. Review status: criteria provided, single submitter. Criteria: Ambry Variant Classification Scheme 2023. Collection method: clinical testing. Allele origin: germline.

NM_000085.5(CLCNKB):c.1429G>A (p.Ala477Thr)

Genes: CLCNKB (chloride voltage-gated channel Kb; plus strand), LOC106501713 (CLCNKB recombination region; plus strand). Cytogenetic location: 1p36.13.
Variant type: single nucleotide variant.
Coding change: c.1429G>A on transcript NM_000085.5 (MANE Select); coding-DNA position 1429, G replaced by A.
Protein change: p.Ala477Thr; replaces alanine 477 with threonine.
Molecular consequence: missense variant.
Genome position (GRCh38, 1-based): chr1:16,052,218, G>A. VCF-style: chr1-16052218-G-A. GRCh37 (hg19) VCF-style: chr1-16378713-G-A.
Other names: c.922G>A, p.Ala308Thr (NM_001165945.2); c.1429G>A (NM_000085.4); short protein forms A477T, A308T.
Identifiers: ClinVar variation 2229439 (VCV002229439.5), dbSNP rs766816427, ClinGen allele CA623873.